The following is an entry in ClinVar:

ClinVar aggregate classification (germline): Uncertain significance (1 of 4 stars; one submission).

Conditions:
Combined oxidative phosphorylation defect type 27. Also called: Combined oxidative phosphorylation deficiency 27. Identifiers: Orphanet 477774, MedGen C5567608, MONDO:0014728, OMIM 616672.

Allele frequency attached by ClinVar (database versions not stated): gnomAD exomes below 0.00001; gnomAD 0.00001; TOPMed 0.00002.
gnomAD v4.1: 2 of 1,613,494 alleles (0.00012%); highest among the groups gnomAD compares: African/African-American, 0.0027%; no homozygotes.

Submission:

Labcorp Genetics (formerly Invitae), Labcorp
Classification: Uncertain significance for Combined oxidative phosphorylation defect type 27. Last evaluated: 2023-12-22. Review status: criteria provided, single submitter. Criteria: Invitae Variant Classification Sherloc (09022015). Collection method: clinical testing. Allele origin: germline.
Comment: This sequence change replaces alanine, which is neutral and non-polar, with threonine, which is neutral and polar, at codon 469 of the CARS2 protein (p.Ala469Thr). This variant is present in population databases (no rsID available, gnomAD 0.008%). This variant has not been reported in the literature in individuals affected with CARS2-related conditions. ClinVar contains an entry for this variant (Variation ID: 1379109). Advanced modeling of protein sequence and biophysical properties (such as structural, functional, and spatial information, amino acid conservation, physicochemical variation, residue mobility, and thermodynamic stability) performed at Invitae indicates that this missense variant is not expected to disrupt CARS2 protein function with a negative predictive value of 80%. In summary, the available evidence is currently insufficient to determine the role of this variant in disease. Therefore, it has been classified as a Variant of Uncertain Significance.

NM_024537.4(CARS2):c.1405G>A (p.Ala469Thr)

Gene: CARS2 (cysteinyl-tRNA synthetase 2, mitochondrial; minus strand). Cytogenetic location: 13q34.
Variant type: single nucleotide variant.
Coding change: c.1405G>A on transcript NM_024537.4 (MANE Select); coding-DNA position 1405, G replaced by A.
Protein change: p.Ala469Thr; replaces alanine 469 with threonine.
Molecular consequence: missense variant. On other transcripts: non-coding transcript variant (2).
Genome position (GRCh38, 1-based): chr13:110,644,396, C>T on the plus strand (G>A on the coding strand, the complement: CARS2 is on the minus strand). VCF-style: chr13-110644396-C-T. GRCh37 (hg19) VCF-style: chr13-111296743-C-T.
Other names: c.619G>A, p.Ala207Thr (NM_001352252.2); short protein forms A207T, A469T.
Identifiers: ClinVar variation 1379109 (VCV001379109.6), dbSNP rs868665261, ClinGen allele CA256323794.